The following is an entry in ClinVar:

NM_000088.4(COL1A1):c.1081del (p.Arg361fs)

Gene: COL1A1 (collagen type I alpha 1 chain; minus strand). Cytogenetic location: 17q21.33.
Variant type: Deletion.
Coding change: c.1081del on transcript NM_000088.4 (MANE Select); coding-DNA position 1081, one base deleted (C; older notation c.1081delC).
Protein change: p.Arg361fs; shifts the reading frame from arginine 361.
Molecular consequence: frameshift variant.
Genome position (GRCh38, 1-based): chr17:50,195,641, G deleted on the plus strand (C on the coding strand, the reverse complement: COL1A1 is on the minus strand); the first of 4 consecutive G bases (chr17:50,195,641-50,195,644); deleting any one gives the same sequence. VCF-style (leftmost placement, unchanged base first): chr17-50195640-CG-C. GRCh37 (hg19) VCF-style: chr17-48273001-CG-C.
Other names: short protein forms R361fs.
Identifiers: ClinVar variation 4730885 (VCV004730885.2).

ClinVar aggregate classification (germline): Pathogenic. Review status: criteria provided, multiple submitters, no conflicts (2 of 4 stars). 2 submissions from 2 submitters: Pathogenic (2). Last evaluated 2025-11-10.

Conditions:
COL1A1-related disorder. Also called: COL1A1-related condition; COL1A1- related disease.
Osteogenesis imperfecta type I (OI1). Also called: OI, TYPE I; OSTEOGENESIS IMPERFECTA TARDA; OSTEOGENESIS IMPERFECTA WITH BLUE SCLERAE; Osteogenesis imperfecta type 1; Lobstein's Disease; Lobstein disease. Identifiers: Orphanet 216796, Orphanet 666, MedGen C0023931, MONDO:0008146, OMIM 166200. Disease mechanism: loss of function.

Submissions (2):

Labcorp Genetics (formerly Invitae), Labcorp
Classification: Pathogenic for Osteogenesis imperfecta type I. Last evaluated: 2025-11-10. Review status: criteria provided, single submitter. Criteria: Invitae Variant Classification Sherloc (09022015). Collection method: clinical testing. Allele origin: germline.
Comment: This sequence change creates a premature translational stop signal (p.Arg361Glufs*180) in the COL1A1 gene. It is expected to result in an absent or disrupted protein product. Loss-of-function variants in COL1A1 are known to be pathogenic (PMID: 7942841, 9295084, 9443882). This variant is not present in population databases (gnomAD no frequency). This premature translational stop signal has been observed in individual(s) with osteogenesis imperfecta (PMID: 30614853). For these reasons, this variant has been classified as Pathogenic.

Blueprint Genetics
Classification: Pathogenic for COL1A1-related disorders. Last evaluated: 2022-11-01. Review status: criteria provided, single submitter. Criteria: ACMG Guidelines, 2015. Collection method: clinical testing. Allele origin: germline. Affected: yes. Observed: 1 variant allele.

Literature cited by the submitters: PubMed 7942841 (cited by Labcorp Genetics (formerly Invitae), Labcorp); PubMed 9295084 (cited by Labcorp Genetics (formerly Invitae), Labcorp); PubMed 9443882 (cited by Labcorp Genetics (formerly Invitae), Labcorp); PubMed 30614853 (cited by Labcorp Genetics (formerly Invitae), Labcorp).